The following is an entry in ClinVar:

ClinVar aggregate classification (germline): Conflicting classifications of pathogenicity. Review status: criteria provided, conflicting classifications (1 of 4 stars). 2 submissions from 2 submitters: Likely pathogenic (1); Uncertain significance (1). Last evaluated 2024-05-23.

Conditions:
Hereditary cancer-predisposing syndrome. Also called: Neoplastic Syndromes, Hereditary; Tumor predisposition; Hereditary Cancer Syndrome; Hereditary neoplastic syndrome. Identifiers: Orphanet 140162, MedGen C0027672, MeSH D009386, MONDO:0015356.
Hereditary nonpolyposis colorectal neoplasms. Identifiers: MedGen C0009405, MeSH D003123.

Submissions (2):

Ambry Genetics
Classification: Likely pathogenic for Hereditary cancer-predisposing syndrome. Last evaluated: 2024-05-23. Review status: criteria provided, single submitter. Criteria: Ambry Variant Classification Scheme 2023. Collection method: clinical testing. Allele origin: germline.
Comment: The p.H701P variant (also known as c.2102A>C), located in coding exon 12 of the PMS2 gene, results from an A to C substitution at nucleotide position 2102. The histidine at codon 701 is replaced by proline, an amino acid with similar properties. Based on internal structural analysis, this variant disrupts a conserved zinc-binding motif in the endonuclease domain, a site also disrupted by internally pathogenic variants (Gueneau E et al. Nat Struct Mol Biol, 2013 Apr;20:461-8). This variant has been identified in a proband(s) whose Lynch syndrome-associated tumor demonstrated loss of PMS2 expression by immunohistochemistry (Ambry internal data). Another variant at the same codon, p.H701R (c.2102A>G), has also been detected in proband(s) whose Lynch syndrome-associated tumor demonstrated loss of PMS2 expression by immunohistochemistry. This missense alteration is located in a region that has a low rate of benign missense variation (Lek M et al. Nature. 2016 Aug 18;536(7616):285-91; DECIPHER: Database of Chromosomal Imbalance and Phenotype in Humans using Ensembl Resources. Firth H.V. et al. 2009. Am.J.Hum.Genet. 84, 524-533 (DOI)). This amino acid position is highly conserved in available vertebrate species. In addition, this alteration is predicted to be deleterious by in silico analysis. This variant is considered to be rare based on population cohorts in the Genome Aggregation Database (gnomAD). Based on the majority of available evidence to date, this variant is likely to be pathogenic.

Labcorp Genetics (formerly Invitae), Labcorp
Classification: Uncertain significance for Hereditary nonpolyposis colon cancer. Last evaluated: 2018-09-25. Review status: criteria provided, single submitter. Criteria: Invitae Variant Classification Sherloc (09022015). Collection method: clinical testing. Allele origin: germline.
Comment: This sequence change replaces histidine with proline at codon 701 of the PMS2 protein (p.His701Pro). The histidine residue is highly conserved and there is a moderate physicochemical difference between histidine and proline. The frequency data for this variant in the population databases (ExAC) is considered unreliable due to the presence of homologous sequence, such as pseudogenes or paralogs, in the genome. This variant has not been reported in the literature in individuals with PMS2-related disease. Algorithms developed to predict the effect of missense changes on protein structure and function (SIFT, PolyPhen-2, Align-GVGD) all suggest that this variant is likely to be disruptive, but these predictions have not been confirmed by published functional studies and their clinical significance is uncertain. In summary, the available evidence is currently insufficient to determine the role of this variant in disease. Therefore, it has been classified as a Variant of Uncertain Significance.

Literature cited by the submitters: PubMed 23435383 (cited by Ambry Genetics).

NM_000535.7(PMS2):c.2102A>C (p.His701Pro)

Gene: PMS2 (PMS1 homolog 2, mismatch repair system component; minus strand). Cytogenetic location: 7p22.1.
Variant type: single nucleotide variant.
Coding change: c.2102A>C on transcript NM_000535.7 (MANE Select); coding-DNA position 2102, A replaced by C.
Protein change: p.His701Pro; replaces histidine 701 with proline.
Molecular consequence: missense variant. On other transcripts: non-coding transcript variant (1).
Genome position (GRCh38, 1-based): chr7:5,982,896, T>G on the plus strand (A>C on the coding strand, the complement: PMS2 is on the minus strand). VCF-style: chr7-5982896-T-G. GRCh37 (hg19) VCF-style: chr7-6022527-T-G.
Other names: c.1697A>C, p.His566Pro (NM_001322003.2, NM_001322004.2, NM_001322005.2 and 1 more transcripts); c.1946A>C, p.His649Pro (NM_001322006.2); c.1784A>C, p.His595Pro (NM_001322007.2, NM_001322008.2); c.1541A>C, p.His514Pro (NM_001322010.2); c.1169A>C, p.His390Pro (NM_001322011.2, NM_001322012.2); c.1529A>C, p.His510Pro (NM_001322013.2); c.2102A>C, p.His701Pro (NM_001322014.2); c.1793A>C, p.His598Pro (NM_001322015.2); short protein forms H595P, H390P, H598P, H510P, H514P, H566P, H649P, H701P.
Identifiers: ClinVar variation 651602 (VCV000651602.2), dbSNP rs1583298873, ClinGen allele CA366737994.